The following is an entry in ClinVar:

NM_000113.3(TOR1A):c.613T>C (p.Phe205Leu)

Gene: TOR1A (torsin family 1 member A; minus strand). Cytogenetic location: 9q34.11.
Variant type: single nucleotide variant.
Coding change: c.613T>C on transcript NM_000113.3 (MANE Select); coding-DNA position 613, T replaced by C.
Protein change: p.Phe205Leu; replaces phenylalanine 205 with leucine.
Molecular consequence: missense variant.
Genome position (GRCh38, 1-based): chr9:129,818,752, A>G on the plus strand (T>C on the coding strand, the complement: TOR1A is on the minus strand). VCF-style: chr9-129818752-A-G. GRCh37 (hg19) VCF-style: chr9-132581031-A-G.
Other names: short protein forms F205L.
Identifiers: ClinVar variation 3026728 (VCV003026728.22), dbSNP rs267607134, ClinGen allele CA375199038.

ClinVar aggregate classification (germline): Uncertain significance (1 of 4 stars; one submission).

Submission:

CeGaT Center for Human Genetics Tuebingen
Classification: Uncertain significance. Last evaluated: 2024-01-01. Review status: criteria provided, single submitter. Criteria: CeGaT Center For Human Genetics Tuebingen Variant Classification Criteria Version 2. Collection method: clinical testing. Allele origin: germline. Affected: yes. Observed: 1 variant allele.
Comment: TOR1A: PM2, PM5